The following is an entry in ClinVar:

NM_005591.4(MRE11):c.393T>A (p.Asp131Glu)

Gene: MRE11 (MRE11 double strand break repair nuclease; minus strand). Cytogenetic location: 11q21.
Variant type: single nucleotide variant.
Coding change: c.393T>A on transcript NM_005591.4 (MANE Select); coding-DNA position 393, T replaced by A.
Protein change: p.Asp131Glu; replaces aspartic acid 131 with glutamic acid.
Molecular consequence: missense variant.
Genome position (GRCh38, 1-based): chr11:94,479,683, A>T on the plus strand (T>A on the coding strand, the complement: MRE11 is on the minus strand). VCF-style: chr11-94479683-A-T. GRCh37 (hg19) VCF-style: chr11-94212849-A-T.
Other names: c.393T>A, p.Asp131Glu (NM_001330347.2, NM_005590.4); short protein forms D131E.
Identifiers: ClinVar variation 232979 (VCV000232979.5), dbSNP rs876660111, ClinGen allele CA10579410.

ClinVar aggregate classification (germline): Uncertain significance (1 of 4 stars; one submission).

Conditions:
Hereditary cancer-predisposing syndrome. Also called: Neoplastic Syndromes, Hereditary; Tumor predisposition; Hereditary Cancer Syndrome; Hereditary neoplastic syndrome. Identifiers: Orphanet 140162, MedGen C0027672, MeSH D009386, MONDO:0015356.

Submission:

Ambry Genetics
Classification: Uncertain significance for Hereditary cancer-predisposing syndrome. Last evaluated: 2015-07-17. Review status: criteria provided, single submitter. Criteria: Ambry Variant Classification Scheme 2023. Collection method: clinical testing. Allele origin: germline.
Comment: The p.D131E variant (also known as c.393T>A), located in coding exon 4 of the MRE11A gene, results from a T to A substitution at nucleotide position 393. The aspartic acid at codon 131 is replaced by glutamic acid, an amino acid with highly similar properties. This amino acid position is highly conserved in available vertebrate species. In addition, this alteration is predicted to be deleterious by in silico analysis. Since supporting evidence is limited at this time, the clinical significance of this alteration remains unclear.